The following is an entry in ClinVar:

ClinVar aggregate classification (germline): Uncertain significance (1 of 4 stars; one submission).

Conditions:
Arrhythmogenic right ventricular cardiomyopathy (ARVD). Also called: Arrhythmogenic right ventricular dysplasia; Cardiomyopathy, ARVC; Arrhythmogenic cardiomyopathy; Arrhythmogenic Right Ventricular Cardiomyopathy (ARVC). Identifiers: Orphanet 247, MedGen C0349788, MeSH D019571, MONDO:0016587. Disease mechanism: loss of function. Inheritance: Various modes of inheritance.

Allele frequency attached by ClinVar (database versions not stated): gnomAD exomes below 0.00001; ExAC 0.00001.
gnomAD v4.1: 2 of 1,604,640 alleles (0.00012%); highest among the groups gnomAD compares: East Asian, 0.0022%; no homozygotes.

Submission:

All of Us Research Program, National Institutes of Health
Classification: Uncertain significance for Arrhythmogenic right ventricular cardiomyopathy. Last evaluated: 2023-11-20. Review status: criteria provided, single submitter. Criteria: ACMG Guidelines, 2015. Collection method: clinical testing. Allele origin: germline. Inheritance: Autosomal dominant inheritance. Observed: 2 variant alleles, 2 heterozygotes.
Comment: This variant causes a A to G nucleotide substitution at the +4 position of intron 3 of the PKP2 gene. Splice prediction tools are inconclusive regarding the impact of this variant on RNA splicing. This variant has not been reported in individuals affected with cardiovascular disorders in the literature. This variant has been identified in 1/248132 chromosomes in the general population by the Genome Aggregation Database (gnomAD). The available evidence is insufficient to determine the role of this variant in disease conclusively. Therefore, this variant is classified as a Variant of Uncertain Significance.

This study involves interpretation of variants in research participants for the purpose of population health screening. Participant phenotype was not available at the time of variant classification. Additional details can be found in publication PMID: 35346344, PMCID: PMC8962531

NM_001005242.3(PKP2):c.1034+4A>G

Gene: PKP2 (plakophilin 2; minus strand). Cytogenetic location: 12p11.21.
Variant type: single nucleotide variant.
Coding change: c.1034+4A>G on transcript NM_001005242.3 (MANE Select); 4 bases into the intron after coding-DNA position 1034, A replaced by G.
Molecular consequence: intron variant.
Genome position (GRCh38, 1-based): chr12:32,877,842, T>C on the plus strand (A>G on the coding strand, the complement: PKP2 is on the minus strand). VCF-style: chr12-32877842-T-C. GRCh37 (hg19) VCF-style: chr12-33030776-T-C.
Other names: c.1034+4A>G (NM_001407156.1, NM_001407155.1, NM_004572.4 and 2 more transcripts); c.707+4A>G (NM_001407160.1, NM_001407159.1, NM_001407158.1 and 1 more transcripts).
Identifiers: ClinVar variation 3073603 (VCV003073603.1), dbSNP rs752686145, ClinGen allele CA026770.